The following is an entry in ClinVar:

NM_001330078.2(NRXN1):c.1320+4_1320+7dup

Gene: NRXN1 (neurexin 1; minus strand). Cytogenetic location: 2p16.3.
Variant type: Duplication.
Coding change: c.1320+4_1320+7dup on transcript NM_001330078.2 (MANE Select); bases 4 to 7 of the intron after coding-DNA position 1320, 4 bases duplicated (AATA; older notation c.1320+4_1320+7dupAATA).
Molecular consequence: splice donor variant.
Genome position (GRCh38, 1-based): chr2:50,620,015-50,620,018, TATT duplicated on the plus strand (AATA on the coding strand, the reverse complement: NRXN1 is on the minus strand); duplicating any 4 consecutive bases within chr2:50,620,015-50,620,020 gives the same sequence; the c. name uses the placement nearest the transcript's 3' end. VCF-style (leftmost placement, unchanged base first): chr2-50620014-A-ATATT. GRCh37 (hg19) VCF-style: chr2-50847152-A-ATATT.
Other names: c.1440+4_1440+7dupAATA (NM_001135659.1); c.1236+4_1236+7dup (NM_001330096.2, NM_001330087.2); c.1281+4_1281+7dup (NM_001330083.2, NM_001330084.2); c.1266+4_1266+7dup (NM_001330088.2); c.1317+4_1317+7dup (NM_001330093.2); c.1308+4_1308+7dup (NM_001330094.2); c.1296+4_1296+7dup (NM_001330095.2, NM_001330082.2, NM_001330077.2); c.1320+4_1320+7dup (NM_001330085.2, NM_004801.6, NM_001330086.2); and 1 more.
Identifiers: ClinVar variation 515844 (VCV000515844.9), dbSNP rs1259067816, ClinGen allele CA658795796.

ClinVar aggregate classification (germline): Likely benign. Review status: criteria provided, multiple submitters, no conflicts (2 of 4 stars). 2 submissions from 2 submitters: Likely benign (2). Last evaluated 2024-03-17.

Conditions:
Pitt-Hopkins-like syndrome 2 (PTHSL2). Identifiers: Orphanet 221150, Orphanet 600663, MedGen C3280479, MONDO:0013690, OMIM 614325.

Submissions (2):

Labcorp Genetics (formerly Invitae), Labcorp
Classification: Likely benign for Pitt-Hopkins-like syndrome 2. Last evaluated: 2024-03-17. Review status: criteria provided, single submitter. Criteria: Invitae Variant Classification Sherloc (09022015). Collection method: clinical testing. Allele origin: germline.

GeneDx
Classification: Likely benign. Last evaluated: 2018-03-06. Review status: criteria provided, single submitter. Criteria: GeneDx Variant Classification (06012015). Collection method: clinical testing. Allele origin: germline. Affected: yes.
Comment: This variant is considered likely benign or benign based on one or more of the following criteria: it is a conservative change, it occurs at a poorly conserved position in the protein, it is predicted to be benign by multiple in silico algorithms, and/or has population frequency not consistent with disease.